The following is an entry in ClinVar:

ClinVar aggregate classification (germline): Uncertain significance. Review status: criteria provided, multiple submitters, no conflicts (2 of 4 stars). 2 submissions from 2 submitters: Uncertain significance (2). Last evaluated 2020-11-21.

Conditions:
Hereditary cancer-predisposing syndrome. Also called: Neoplastic Syndromes, Hereditary; Hereditary neoplastic syndrome; Tumor predisposition; Hereditary Cancer Syndrome. Identifiers: Orphanet 140162, MedGen C0027672, MeSH D009386, MONDO:0015356.
Familial cancer of breast. Also called: Hereditary breast cancer; BREAST CANCER, FAMILIAL; hereditary breast carcinoma. Identifiers: Orphanet 227535, MedGen C0346153, MONDO:0016419, OMIM 114480. Disease mechanism: loss of function.
Fanconi anemia complementation group J. Also called: BRIP1-Related Fanconi Anemia. Identifiers: Orphanet 84, MedGen C1836860, MONDO:0012187, OMIM 609054.

Submissions (2):

Labcorp Genetics (formerly Invitae), Labcorp
Classification: Uncertain significance for Familial cancer of breast; Fanconi anemia complementation group J. Last evaluated: 2020-11-21. Review status: criteria provided, single submitter. Criteria: Invitae Variant Classification Sherloc (09022015). Collection method: clinical testing. Allele origin: germline.
Comment: This variant has not been reported in the literature in individuals with BRIP1-related conditions. In summary, the available evidence is currently insufficient to determine the role of this variant in disease. Therefore, it has been classified as a Variant of Uncertain Significance. Experimental studies and prediction algorithms are not available for this variant, and the functional significance of the affected amino acid(s) is currently unknown. This variant is not present in population databases (ExAC no frequency). This variant, c.730_738del, results in the deletion of 3 amino acids of the BRIP1 protein (p.Pro244_Ile246del), but otherwise preserves the integrity of the reading frame.

Ambry Genetics
Classification: Uncertain significance for Hereditary cancer-predisposing syndrome. Last evaluated: 2020-09-10. Review status: criteria provided, single submitter. Criteria: Ambry Variant Classification Scheme 2023. Collection method: clinical testing. Allele origin: germline.
Comment: The c.730_738delCCCAAAATA variant (also known as p.P244_I246del) is located in coding exon 6 of the BRIP1 gene. This variant results from an in-frame CCCAAAATA deletion at nucleotide positions 730 to 738. This results in the in-frame deletion of three residues (PKI) at codon 244 to 246. This amino acid region is highly conserved in available vertebrate species. In addition, this alteration is predicted to be deleterious by in silico analysis (Choi Y et al. PLoS ONE. 2012; 7(10):e46688). Since supporting evidence is limited at this time, the clinical significance of this alteration remains unclear.

NM_032043.3(BRIP1):c.730_738del (p.Pro244_Ile246del)

Gene: BRIP1 (BRCA1 interacting DNA helicase 1; minus strand). Cytogenetic location: 17q23.2.
Variant type: Deletion.
Coding change: c.730_738del on transcript NM_032043.3 (MANE Select); coding-DNA positions 730 to 738, 9 bases deleted (CCCAAAATA; older notation c.730_738delCCCAAAATA).
Protein change: p.Pro244_Ile246del.
Molecular consequence: inframe deletion.
Genome position (GRCh38, 1-based): chr17:61,808,647-61,808,655, TATTTTGGG deleted on the plus strand (CCCAAAATA on the coding strand, the reverse complement: BRIP1 is on the minus strand); deleting any 9 consecutive bases within chr17:61,808,647-61,808,658 gives the same sequence; the c. name uses the placement nearest the transcript's 3' end. VCF-style (leftmost placement, unchanged base first): chr17-61808646-ATATTTTGGG-A. GRCh37 (hg19) VCF-style: chr17-59886007-ATATTTTGGG-A.
Other names: c.730_738delCCCAAAATA (NM_032043.2).
Identifiers: ClinVar variation 661201 (VCV000661201.12), dbSNP rs1603346861, ClinGen allele CA915950719.